The following is an entry in ClinVar:

ClinVar aggregate classification (germline): Uncertain significance (1 of 4 stars; one submission).

gnomAD v4.1: 4 of 1,571,404 alleles (0.00025%); highest among the groups gnomAD compares: African/African-American, 0.0027%; no homozygotes.

Submission:

Ambry Genetics
Classification: Uncertain significance. Last evaluated: 2025-01-13. Review status: criteria provided, single submitter. Criteria: Ambry Variant Classification Scheme 2023. Collection method: clinical testing. Allele origin: germline.
Comment: The p.D627G variant (also known as c.1880A>G), located in coding exon 8 of the WNK2 gene, results from an A to G substitution at nucleotide position 1880. The aspartic acid at codon 627 is replaced by glycine, an amino acid with similar properties. This amino acid position is conserved. In addition, the in silico prediction for this alteration is inconclusive. Based on the available evidence, the clinical significance of this variant remains unclear.

NM_006648.4(WNK2):c.1880A>G (p.Asp627Gly)

Gene: WNK2 (WNK lysine deficient protein kinase 2; plus strand). Cytogenetic location: 9q22.31.
Variant type: single nucleotide variant.
Coding change: c.1880A>G on transcript NM_006648.4 (MANE Select); coding-DNA position 1880, A replaced by G.
Protein change: p.Asp627Gly; replaces aspartic acid 627 with glycine.
Molecular consequence: missense variant.
Genome position (GRCh38, 1-based): chr9:93,252,928, A>G. VCF-style: chr9-93252928-A-G. GRCh37 (hg19) VCF-style: chr9-96015210-A-G.
Other names: c.1880A>G, p.Asp627Gly (NM_001282394.3); short protein forms D627G.
Identifiers: ClinVar variation 3816837 (VCV003816837.1).
Genomic context (GRCh38, chr9:93,252,928, plus strand): 5'-TTTTGTCCTCCCCAGCGGACAGCACCTTCGACAGCGGCCAGGGCTCTACCGTGTACTCAG[A>G]CTCGCAGAGCAGCCAGCAGAGCGTGATGCTTGGCTCCCTTGCCGACGCAGCGCCGTCCCC-3'
Protein context (NP_006639.3, residues 617-637): DSGQGSTVYS[Asp627Gly]SQSSQQSVML